The following is an entry in ClinVar:

NM_001283009.2(RTEL1):c.3055C>G (p.Gln1019Glu)

Genes: RTEL1 (regulator of telomere elongation helicase 1; plus strand), RTEL1-TNFRSF6B (RTEL1-TNFRSF6B readthrough (NMD candidate); plus strand). Cytogenetic location: 20q13.33.
Variant type: single nucleotide variant.
Coding change: c.3055C>G on transcript NM_001283009.2 (MANE Select); coding-DNA position 3055, C replaced by G.
Protein change: p.Gln1019Glu; replaces glutamine 1019 with glutamic acid.
Molecular consequence: missense variant. On other transcripts: non-coding transcript variant (1).
Genome position (GRCh38, 1-based): chr20:63,694,434, C>G. VCF-style: chr20-63694434-C-G. GRCh37 (hg19) VCF-style: chr20-62325787-C-G.
Other names: c.2386C>G, p.Gln796Glu (NM_001283010.1); c.3055C>G, p.Gln1019Glu (NM_016434.4); c.3127C>G, p.Gln1043Glu (NM_032957.5); short protein forms Q796E, Q1019E, Q1043E.
Identifiers: ClinVar variation 1367417 (VCV001367417.5), dbSNP rs1435090971, ClinGen allele CA409684534.
Genomic context (GRCh38, chr20:63,694,434, plus strand): 5'-AGAACGGCGCCGGATCCCAAGCTGACCGTGTCCACGGCTGCAGCCCAGCAGCTGGACCCC[C>G]AAGAGCACCTGAACCAGGGCAGGCCCCACCTGTCGCCCAGGCCACCCCCAACAGGTAGCT-3'
Protein context (NP_001269938.1, residues 1009-1029): STAAAQQLDP[Gln1019Glu]EHLNQGRPHL

ClinVar aggregate classification (germline): Uncertain significance. Review status: criteria provided, multiple submitters, no conflicts (2 of 4 stars). 2 submissions from 2 submitters: Uncertain significance (2). Last evaluated 2025-10-05.

Conditions:
Inborn genetic diseases. Identifiers: MedGen C0950123, MeSH D030342.
Dyskeratosis congenita, autosomal recessive 5 (DKCB5). Identifiers: MedGen C3554656, MONDO:0014076, OMIM 615190.
Pulmonary fibrosis and/or bone marrow failure, Telomere-related, 3. Also called: PULMONARY FIBROSIS AND/OR BONE MARROW FAILURE SYNDROME, TELOMERE-RELATED, 3. Identifiers: Orphanet 2032, MedGen C4225346, MONDO:0014613, OMIM 616373.

Allele frequency attached by ClinVar (database versions not stated): TOPMed below 0.00001.
gnomAD v4.1: 1 of 1,612,348 alleles (0.000062%); no homozygotes.

Submissions (2):

Ambry Genetics
Classification: Uncertain significance for Inborn genetic diseases. Last evaluated: 2025-10-05. Review status: criteria provided, single submitter. Criteria: Ambry Variant Classification Scheme 2023. Collection method: clinical testing. Allele origin: germline.
Comment: The p.Q1019E variant (also known as c.3055C>G), located in coding exon 30 of the RTEL1 gene, results from a C to G substitution at nucleotide position 3055. The glutamine at codon 1019 is replaced by glutamic acid, an amino acid with highly similar properties. This amino acid position is conserved. In addition, this alteration is predicted to be tolerated by in silico analysis. Based on the available evidence, the clinical significance of this variant remains unclear.

Labcorp Genetics (formerly Invitae), Labcorp
Classification: Uncertain significance for Dyskeratosis congenita, autosomal recessive 5; Pulmonary fibrosis and/or bone marrow failure, Telomere-related, 3. Last evaluated: 2022-03-07. Review status: criteria provided, single submitter. Criteria: Invitae Variant Classification Sherloc (09022015). Collection method: clinical testing. Allele origin: germline.
Comment: Algorithms developed to predict the effect of missense changes on protein structure and function (SIFT, PolyPhen-2, Align-GVGD) all suggest that this variant is likely to be tolerated. This variant has not been reported in the literature in individuals affected with RTEL1-related conditions. This variant is not present in population databases (gnomAD no frequency). This sequence change replaces glutamine, which is neutral and polar, with glutamic acid, which is acidic and polar, at codon 1019 of the RTEL1 protein (p.Gln1019Glu). In summary, the available evidence is currently insufficient to determine the role of this variant in disease. Therefore, it has been classified as a Variant of Uncertain Significance.